The following is an entry in ClinVar:

ClinVar aggregate classification (germline): Uncertain significance. Review status: criteria provided, multiple submitters, no conflicts (2 of 4 stars). 3 submissions from 3 submitters: Uncertain significance (3). Last evaluated 2025-05-29.

Conditions:
Inborn genetic diseases. Identifiers: MedGen C0950123, MeSH D030342.

Allele frequency attached by ClinVar (database versions not stated): TOPMed below 0.00001; gnomAD 0.00001 and 0.00002.
gnomAD v4.1: 13 of 1,614,178 alleles (0.00081%); highest among the groups gnomAD compares: Middle Eastern, 0.016%; no homozygotes.

Submissions (3):

Ambry Genetics
Classification: Uncertain significance for Inborn genetic diseases. Last evaluated: 2025-05-29. Review status: criteria provided, single submitter. Criteria: Ambry Variant Classification Scheme 2023. Collection method: clinical testing. Allele origin: germline.

Blueprint Genetics
Classification: Uncertain significance. Last evaluated: 2024-07-03. Review status: criteria provided, single submitter. Criteria: ACMG Guidelines, 2015. Collection method: clinical testing. Allele origin: germline.

Labcorp Genetics (formerly Invitae), Labcorp
Classification: Uncertain significance. Last evaluated: 2023-08-10. Review status: criteria provided, single submitter. Criteria: Invitae Variant Classification Sherloc (09022015). Collection method: clinical testing. Allele origin: germline.
Comment: In summary, the available evidence is currently insufficient to determine the role of this variant in disease. Therefore, it has been classified as a Variant of Uncertain Significance. Advanced modeling of protein sequence and biophysical properties (such as structural, functional, and spatial information, amino acid conservation, physicochemical variation, residue mobility, and thermodynamic stability) performed at Invitae indicates that this missense variant is expected to disrupt CNGB1 protein function. ClinVar contains an entry for this variant (Variation ID: 1469179). This variant has not been reported in the literature in individuals affected with CNGB1-related conditions. This variant is present in population databases (rs761651354, gnomAD 0.006%). This sequence change replaces leucine, which is neutral and non-polar, with proline, which is neutral and non-polar, at codon 1139 of the CNGB1 protein (p.Leu1139Pro).

NM_001297.5(CNGB1):c.3416T>C (p.Leu1139Pro)

Gene: CNGB1 (cyclic nucleotide gated channel subunit beta 1; minus strand). Cytogenetic location: 16q21.
Variant type: single nucleotide variant.
Coding change: c.3416T>C on transcript NM_001297.5 (MANE Select); coding-DNA position 3416, T replaced by C.
Protein change: p.Leu1139Pro; replaces leucine 1139 with proline.
Molecular consequence: missense variant.
Genome position (GRCh38, 1-based): chr16:57,887,901, A>G on the plus strand (T>C on the coding strand, the complement: CNGB1 is on the minus strand). VCF-style: chr16-57887901-A-G. GRCh37 (hg19) VCF-style: chr16-57921805-A-G.
Other names: c.3416T>C (NM_001297.4); c.3398T>C, p.Leu1133Pro (NM_001286130.2); short protein forms L1133P, L1139P.
Identifiers: ClinVar variation 1469179 (VCV001469179.8), dbSNP rs761651354, ClinGen allele CA8082575.
Genomic context (GRCh38, chr16:57,887,901, plus strand): 5'-CCCAACCACATTACCTGTTCCACCAACTCTTGCTGCTTTGCAGCCGCCTCCAGCGCGGCC[A>G]GTTCTTTGAGCCGGGCCCGGAGGTGAGCAAGTTTGCCGCCTTTTGCCCCCTTGCCACCCA-3'
Protein context (NP_001288.3, residues 1129-1149): LAHLRARLKE[Leu1139Pro]AALEAAAKQQ